The following is an entry in ClinVar:

ClinVar aggregate classification (germline): Likely pathogenic (1 of 4 stars; one submission).

Conditions:
Very long chain acyl-CoA dehydrogenase deficiency (ACADVLD). Also called: Very Long-Chain Acyl-Coenzyme A Dehydrogenase Deficiency; VLCAD Deficiency. Identifiers: Orphanet 26793, MedGen C3887523, MONDO:0008723, OMIM 201475.

Submission:

Myriad Genetics, Inc.
Classification: Likely pathogenic for Very long chain acyl-CoA dehydrogenase deficiency. Last evaluated: 2025-05-22. Review status: criteria provided, single submitter. Criteria: Myriad Autosomal Dominant, Autosomal Recessive and X-Linked Classification Criteria (2023). Collection method: clinical testing. Allele origin: unknown.
Comment: NM_000018.3(ACADVL):c.1396G>T(D466Y) is a missense variant classified as likely pathogenic in the context of very-long-chain acyl-CoA dehydrogenase deficiency. D466Y has been observed in cases with relevant disease (PMID: 24801231, 37308883). Relevant functional assessments of this variant are not available in the literature. Internal structural analysis of the variant is supportive of pathogenicity. D466Y has not been observed in referenced population frequency databases. In summary, NM_000018.3(ACADVL):c.1396G>T(D466Y) is a missense variant that has internal structural support for pathogenicity and has been observed more frequently in cases with the relevant disease than in healthy populations. Please note: this variant was assessed in the context of healthy population screening.

Literature cited by the submitters: PubMed 24801231; PubMed 37308883.

NM_000018.4(ACADVL):c.1396G>T (p.Asp466Tyr)

Gene: ACADVL (acyl-CoA dehydrogenase very long chain; plus strand). Cytogenetic location: 17p13.1.
Variant type: single nucleotide variant.
Coding change: c.1396G>T on transcript NM_000018.4 (MANE Select); coding-DNA position 1396, G replaced by T.
Protein change: p.Asp466Tyr; replaces aspartic acid 466 with tyrosine.
Molecular consequence: missense variant.
Genome position (GRCh38, 1-based): chr17:7,224,031, G>T. VCF-style: chr17-7224031-G-T. GRCh37 (hg19) VCF-style: chr17-7127350-G-T.
Other names: c.1330G>T, p.Asp444Tyr (NM_001033859.3); c.1465G>T, p.Asp489Tyr (NM_001270447.2); c.1168G>T, p.Asp390Tyr (NM_001270448.2); short protein forms D390Y, D444Y, D466Y, D489Y.
Identifiers: ClinVar variation 4081611 (VCV004081611.1).